The following is an entry in ClinVar:

NM_016373.4(WWOX):c.700C>A (p.Leu234Met)

Gene: WWOX (WW domain containing oxidoreductase; plus strand). Cytogenetic location: 16q23.1.
Variant type: single nucleotide variant.
Coding change: c.700C>A on transcript NM_016373.4 (MANE Select); coding-DNA position 700, C replaced by A.
Protein change: p.Leu234Met; replaces leucine 234 with methionine.
Molecular consequence: missense variant.
Genome position (GRCh38, 1-based): chr16:78,424,964, C>A. VCF-style: chr16-78424964-C-A. GRCh37 (hg19) VCF-style: chr16-78458861-C-A.
Other names: c.361C>A, p.Leu121Met (NM_001291997.2); short protein forms L121M, L234M.
Identifiers: ClinVar variation 2575658 (VCV002575658.1), dbSNP rs747021033, ClinGen allele CA8183421.

ClinVar aggregate classification (germline): Uncertain significance (1 of 4 stars; one submission).

Allele frequency attached by ClinVar (database versions not stated): ExAC 0.00001.
gnomAD v4.1: 2 of 1,614,170 alleles (0.00012%); highest among the groups gnomAD compares: Non-Finnish European, 0.00017%; no homozygotes.

Submission:

GeneDx
Classification: Uncertain significance. Last evaluated: 2023-02-10. Review status: criteria provided, single submitter. Criteria: GeneDx Variant Classification Process June 2021. Collection method: clinical testing. Allele origin: germline. Affected: yes.
Comment: Not observed at significant frequency in large population cohorts (gnomAD); In silico analysis supports that this missense variant does not alter protein structure/function; Has not been previously published as pathogenic or benign to our knowledge; This variant is associated with the following publications: (PMID: 25411445)